The following is an entry in ClinVar:

NM_153700.2(STRC):c.3682-1G>A

Gene: STRC (stereocilin; minus strand). Cytogenetic location: 15q15.3.
Variant type: single nucleotide variant.
Coding change: c.3682-1G>A on transcript NM_153700.2 (MANE Select); the canonical splice acceptor site of the intron before coding-DNA position 3682, G replaced by A.
Molecular consequence: splice acceptor variant.
Genome position (GRCh38, 1-based): chr15:43,607,976, C>T on the plus strand (G>A on the coding strand, the complement: STRC is on the minus strand). VCF-style: chr15-43607976-C-T. GRCh37 (hg19) VCF-style: chr15-43900174-C-T.
Identifiers: ClinVar variation 4980246 (VCV004980246.1).

ClinVar aggregate classification (germline): Likely pathogenic (1 of 4 stars; one submission).

Conditions:
STRC-related disorder. Also called: STRC-related condition.

Submission:

PreventionGenetics, part of Exact Sciences
Classification: Likely pathogenic for STRC-related condition. Last evaluated: 2026-05-26. Review status: criteria provided, single submitter. Criteria: ACMG Guidelines, 2015. Collection method: clinical testing. Allele origin: germline.
Comment: The STRC c.3682-1G>A variant is predicted to disrupt the AG splice acceptor site and interfere with normal splicing. To our knowledge, this variant has not been reported in the literature. This variant is reported in 0.0018% of alleles in individuals of European (Non-Finnish) descent in gnomAD. Variants that disrupt the consensus splice acceptor site in STRC are expected to be pathogenic. This variant is interpreted as likely pathogenic.